The following is an entry in ClinVar:

NM_018127.7(ELAC2):c.433-296T>C

Gene: ELAC2 (elaC ribonuclease Z 2; minus strand). Cytogenetic location: 17p12.
Variant type: single nucleotide variant.
Coding change: c.433-296T>C on transcript NM_018127.7 (MANE Select); 296 bases into the intron before coding-DNA position 433, T replaced by C.
Molecular consequence: intron variant.
Genome position (GRCh38, 1-based): chr17:13,014,792, A>G on the plus strand (T>C on the coding strand, the complement: ELAC2 is on the minus strand). VCF-style: chr17-13014792-A-G. GRCh37 (hg19) VCF-style: chr17-12918109-A-G.
Other names: c.433-296T>C (NM_001165962.2, NM_173717.2).
Identifiers: ClinVar variation 683503 (VCV000683503.1), dbSNP rs4792312, ClinGen allele CA15904400.

ClinVar aggregate classification (germline): Benign (1 of 4 stars; one submission).

Allele frequency attached by ClinVar (database versions not stated): 1000 Genomes Project 0.16494; 1000 Genomes Project 30x 0.16864; TOPMed 0.18359; gnomAD 0.18803 and 0.19098.
gnomAD v4.1: 28,534 of 152,084 alleles (19%); highest among the groups gnomAD compares: African/African-American, 22%; 2,714 homozygotes.

Submission:

GeneDx
Classification: Benign. Last evaluated: 2018-06-14. Review status: criteria provided, single submitter. Criteria: GeneDx Variant Classification (06012015). Collection method: clinical testing. Allele origin: germline. Affected: yes.
Comment: This variant is considered likely benign or benign based on one or more of the following criteria: it is a conservative change, it occurs at a poorly conserved position in the protein, it is predicted to be benign by multiple in silico algorithms, and/or has population frequency not consistent with disease.